The following is an entry in ClinVar:

NM_000211.5(ITGB2):c.1934C>T (p.Ala645Val)

Gene: ITGB2 (integrin subunit beta 2; minus strand). Cytogenetic location: 21q22.3.
Variant type: single nucleotide variant.
Coding change: c.1934C>T on transcript NM_000211.5 (MANE Select); coding-DNA position 1934, C replaced by T.
Protein change: p.Ala645Val; replaces alanine 645 with valine.
Molecular consequence: missense variant.
Genome position (GRCh38, 1-based): chr21:44,888,839, G>A on the plus strand (C>T on the coding strand, the complement: ITGB2 is on the minus strand). VCF-style: chr21-44888839-G-A. GRCh37 (hg19) VCF-style: chr21-46308754-G-A.
Other names: c.1934C>T, p.Ala645Val (NM_001127491.3); c.1727C>T, p.Ala576Val (NM_001303238.2); c.1934C>T (NM_000211.3); short protein forms A645V, A576V.
Identifiers: ClinVar variation 582347 (VCV000582347.7), dbSNP rs371045998, ClinGen allele CA10062631.

ClinVar aggregate classification (germline): Conflicting classifications of pathogenicity. Review status: criteria provided, conflicting classifications (1 of 4 stars). 2 submissions from 2 submitters: Uncertain significance (1); Likely benign (1). Last evaluated 2024-02-06.

Conditions:
Inborn genetic diseases. Identifiers: MedGen C0950123, MeSH D030342.
Leukocyte adhesion deficiency 1 (LAD1). Also called: Lymphocyte function-associated antigen 1 immunodeficiency; LFA 1 immunodeficiency; LEUKOCYTE ADHESION DEFICIENCY, TYPE I; LAD 1. Identifiers: Orphanet 2968, Orphanet 99842, MedGen C0398738, MONDO:0007293, OMIM 116920.

Allele frequency attached by ClinVar (database versions not stated): gnomAD 0.00001 and 0.00004; gnomAD exomes 0.00003 and 0.00004; TOPMed 0.00004; ExAC 0.00005; ESP Exome Variant Server 0.00008; 1000 Genomes Project 30x 0.00047; 1000 Genomes Project 0.00060.
gnomAD v4.1: 42 of 1,610,290 alleles (0.0026%); highest among the groups gnomAD compares: East Asian, 0.011%; no homozygotes.

Submissions (2):

Ambry Genetics
Classification: Likely benign for Inborn genetic diseases. Last evaluated: 2024-02-06. Review status: criteria provided, single submitter. Criteria: Ambry Variant Classification Scheme 2023. Collection method: clinical testing. Allele origin: germline.

Labcorp Genetics (formerly Invitae), Labcorp
Classification: Uncertain significance for Leukocyte adhesion deficiency 1. Last evaluated: 2021-08-31. Review status: criteria provided, single submitter. Criteria: Invitae Variant Classification Sherloc (09022015). Collection method: clinical testing. Allele origin: germline.
Comment: This sequence change replaces alanine with valine at codon 645 of the ITGB2 protein (p.Ala645Val). The alanine residue is moderately conserved and there is a small physicochemical difference between alanine and valine. This variant is present in population databases (rs371045998, ExAC 0.03%). This variant has not been reported in the literature in individuals affected with ITGB2-related conditions. Algorithms developed to predict the effect of missense changes on protein structure and function output the following: SIFT: "Tolerated"; PolyPhen-2: "Benign"; Align-GVGD: "Class C0". The valine amino acid residue is found in multiple mammalian species, which suggests that this missense change does not adversely affect protein function. In summary, the available evidence is currently insufficient to determine the role of this variant in disease. Therefore, it has been classified as a Variant of Uncertain Significance.